The following is an entry in ClinVar:

ClinVar aggregate classification (germline): Uncertain significance (1 of 4 stars; one submission).

Allele frequency attached by ClinVar (database versions not stated): 1000 Genomes Project 30x 0.00016.
gnomAD v4.1: 23 of 1,613,940 alleles (0.0014%); highest among the groups gnomAD compares: African/African-American, 0.021%; no homozygotes.

Submission:

Labcorp Genetics (formerly Invitae), Labcorp
Classification: Uncertain significance. Last evaluated: 2025-10-20. Review status: criteria provided, single submitter. Criteria: Invitae Variant Classification Sherloc (09022015). Collection method: clinical testing. Allele origin: germline.
Comment: This sequence change replaces threonine, which is neutral and polar, with arginine, which is basic and polar, at codon 530 of the HMCN1 protein (p.Thr530Arg). This variant is present in population databases (rs189951644, gnomAD 0.04%). This variant has not been reported in the literature in individuals affected with HMCN1-related conditions. ClinVar contains an entry for this variant (Variation ID: 1428262). An algorithm developed to predict the effect of missense changes on protein structure and function (PolyPhen-2) suggests that this variant is likely to be disruptive. In summary, the available evidence is currently insufficient to determine the role of this variant in disease. Therefore, it has been classified as a Variant of Uncertain Significance.

NM_031935.3(HMCN1):c.1589C>G (p.Thr530Arg)

Gene: HMCN1 (hemicentin 1; plus strand). Cytogenetic location: 1q31.1.
Variant type: single nucleotide variant.
Coding change: c.1589C>G on transcript NM_031935.3 (MANE Select); coding-DNA position 1589, C replaced by G.
Protein change: p.Thr530Arg; replaces threonine 530 with arginine.
Molecular consequence: missense variant.
Genome position (GRCh38, 1-based): chr1:185,933,585, C>G. VCF-style: chr1-185933585-C-G. GRCh37 (hg19) VCF-style: chr1-185902717-C-G.
Other names: short protein forms T530R.
Identifiers: ClinVar variation 1428262 (VCV001428262.6), dbSNP rs189951644, ClinGen allele CA1291168.